The following is an entry in ClinVar:

ClinVar aggregate classification (germline): Pathogenic (1 of 4 stars; one submission).

Conditions:
Long QT syndrome (LQTS). Identifiers: MedGen C0023976, MeSH D008133, MONDO:0002442. Disease mechanism: loss of function. Inheritance: Various modes of inheritance.

Submission:

Labcorp Genetics (formerly Invitae), Labcorp
Classification: Pathogenic for Long QT syndrome. Last evaluated: 2025-07-09. Review status: criteria provided, single submitter. Criteria: Invitae Variant Classification Sherloc (09022015). Collection method: clinical testing. Allele origin: germline.
Comment: This sequence change creates a premature translational stop signal (p.Lys373Glyfs*14) in the KCNH2 gene. It is expected to result in an absent or disrupted protein product. Loss-of-function variants in KCNH2 are known to be pathogenic (PMID: 10973849, 19862833). This variant is not present in population databases (gnomAD no frequency). This variant has not been reported in the literature in individuals affected with KCNH2-related conditions. For these reasons, this variant has been classified as Pathogenic.

Literature cited by the submitters: PubMed 10973849; PubMed 19862833.

NM_000238.4(KCNH2):c.1113_1114del (p.Lys373fs)

Gene: KCNH2 (potassium voltage-gated channel subfamily H member 2; minus strand). Cytogenetic location: 7q36.1.
Variant type: Deletion.
Coding change: c.1113_1114del on transcript NM_000238.4 (MANE Select); coding-DNA positions 1113 to 1114, 2 bases deleted (TG; older notation c.1113_1114delTG).
Protein change: p.Lys373fs; shifts the reading frame from lysine 373.
Molecular consequence: frameshift variant. On other transcripts: non-coding transcript variant (1).
Genome position (GRCh38, 1-based): chr7:150,957,305-150,957,306, CA deleted on the plus strand (TG on the coding strand, the reverse complement: KCNH2 is on the minus strand). VCF-style (leftmost placement, unchanged base first): chr7-150957304-TCA-T. GRCh37 (hg19) VCF-style: chr7-150654392-TCA-T.
Other names: c.825_826del, p.Lys277fs (NM_001406753.1, NM_001406756.1); c.936_937del, p.Lys314fs (NM_001406755.1); c.813_814del, p.Lys273fs (NM_001406757.1); c.1113_1114del, p.Lys373fs (NM_172056.3); short protein forms K277fs, K314fs, K273fs, K373fs.
Identifiers: ClinVar variation 4763986 (VCV004763986.1).
Genomic context (GRCh38, chr7:150,957,304, plus strand): 5'-CCAAGCTCCTCCAAGGTGAGAGGAGAGCCCGGCCGCTGGGCGCCTACCTGGGTGACCTTC[TCA>T]GTGACATTGTGGGTTCGCTCCTTTATCTTAGGTGCTATGATCTCACGGTCACTGGTGGGC-3'